The following is an entry in ClinVar:

ClinVar aggregate classification (germline): Uncertain significance. Review status: criteria provided, multiple submitters, no conflicts (2 of 4 stars). 2 submissions from 2 submitters: Uncertain significance (2). Last evaluated 2025-06-20.

Conditions:
Cardiovascular phenotype. Identifiers: MedGen CN230736.
Hereditary cancer-predisposing syndrome. Also called: Hereditary neoplastic syndrome; Tumor predisposition; Hereditary Cancer Syndrome; Neoplastic Syndromes, Hereditary. Identifiers: Orphanet 140162, MedGen C0027672, MeSH D009386, MONDO:0015356.

Submissions (2):

Labcorp Genetics (formerly Invitae), Labcorp
Classification: Uncertain significance. Last evaluated: 2025-06-20. Review status: criteria provided, single submitter. Criteria: Invitae Variant Classification Sherloc (09022015). Collection method: clinical testing. Allele origin: germline.
Comment: This sequence change replaces cysteine, which is neutral and slightly polar, with serine, which is neutral and polar, at codon 598 of the LZTR1 protein (p.Cys598Ser). This variant is not present in population databases (gnomAD no frequency). This variant has not been reported in the literature in individuals affected with LZTR1-related conditions. ClinVar contains an entry for this variant (Variation ID: 2126620). Invitae Evidence Modeling of protein sequence and biophysical properties (such as structural, functional, and spatial information, amino acid conservation, physicochemical variation, residue mobility, and thermodynamic stability) indicates that this missense variant is not expected to disrupt LZTR1 protein function with a negative predictive value of 80%. In summary, the available evidence is currently insufficient to determine the role of this variant in disease. Therefore, it has been classified as a Variant of Uncertain Significance.

Ambry Genetics
Classification: Uncertain significance for Cardiovascular phenotype; Hereditary cancer-predisposing syndrome. Last evaluated: 2024-02-09. Review status: criteria provided, single submitter. Criteria: Ambry Variant Classification Scheme 2023. Collection method: clinical testing. Allele origin: germline.
Comment: The p.C598S variant (also known as c.1793G>C), located in coding exon 16 of the LZTR1 gene, results from a G to C substitution at nucleotide position 1793. The cysteine at codon 598 is replaced by serine, an amino acid with dissimilar properties. This amino acid position is conserved. In addition, this alteration is predicted to be deleterious by in silico analysis. Based on the available evidence, the clinical significance of this alteration remains unclear.

NM_006767.4(LZTR1):c.1793G>C (p.Cys598Ser)

Gene: LZTR1 (leucine zipper like post translational regulator 1; plus strand). Cytogenetic location: 22q11.21.
Variant type: single nucleotide variant.
Coding change: c.1793G>C on transcript NM_006767.4 (MANE Select); coding-DNA position 1793, G replaced by C.
Protein change: p.Cys598Ser; replaces cysteine 598 with serine.
Molecular consequence: missense variant.
Genome position (GRCh38, 1-based): chr22:20,994,877, G>C. VCF-style: chr22-20994877-G-C. GRCh37 (hg19) VCF-style: chr22-21349166-G-C.
Other names: c.1793G>C (NM_006767.3); short protein forms C598S.
Identifiers: ClinVar variation 2126620 (VCV002126620.5), dbSNP rs1315521067, ClinGen allele CA410778463.
Genomic context (GRCh38, chr22:20,994,877, plus strand): 5'-AGCCTGGGGCCCTGGCTTGACTCTGCCTGCCTGCCTGTGCCTGTCTGCCCCAGGAGCACT[G>C]CCTGAACTTCGTGGTAAAGGAGTCCCACTTCAACCAGGTGATCATGATGAAGGAGTTCGA-3'
Protein context (NP_006758.2, residues 588-608): RLQLSQLKEH[Cys598Ser]LNFVVKESHF